The following is an entry in ClinVar:

NM_001448.3(GPC4):c.1469G>A (p.Ser490Asn)

Gene: GPC4 (glypican 4; minus strand). Cytogenetic location: Xq26.2.
Variant type: single nucleotide variant.
Coding change: c.1469G>A on transcript NM_001448.3 (MANE Select); coding-DNA position 1469, G replaced by A.
Protein change: p.Ser490Asn; replaces serine 490 with asparagine.
Molecular consequence: missense variant.
Genome position (GRCh38, 1-based): chrX:133,303,069, C>T on the plus strand (G>A on the coding strand, the complement: GPC4 is on the minus strand). VCF-style: chrX-133303069-C-T. GRCh37 (hg19) VCF-style: chrX-132437097-C-T.
Other names: short protein forms S490N.
Identifiers: ClinVar variation 2633900 (VCV002633900.1), dbSNP rs1256643378, ClinGen allele CA414691051.

ClinVar aggregate classification (germline): Uncertain significance (1 of 4 stars; one submission).

Conditions:
GPC4-related disorder. Also called: GPC4-related condition.

Allele frequency attached by ClinVar (database versions not stated): TOPMed below 0.00001; gnomAD 0.00001.
gnomAD v4.1: 1 of 1,208,438 alleles (0.000083%); highest among the groups gnomAD compares: African/African-American, 0.0018%; no homozygotes.

Submission:

PreventionGenetics, part of Exact Sciences
Classification: Uncertain significance for GPC4-related condition. Last evaluated: 2023-04-12. Review status: criteria provided, single submitter. Criteria: ACMG Guidelines, 2015. Collection method: clinical testing. Allele origin: germline.
Comment: The GPC4 c.1469G>A variant is predicted to result in the amino acid substitution p.Ser490Asn. This variant is located in the first nucleotide of exon 9 and is predicted to weaken the splice acceptor site (Alamut Visual Plus v1.6.1). To our knowledge, this variant has not been reported in the literature or in a large population database, indicating this variant is rare. At this time, the clinical significance of this variant is uncertain due to the absence of conclusive functional and genetic evidence.